The following is an entry in ClinVar:

NM_000038.6(APC):c.1475A>T (p.His492Leu)

Gene: APC (APC regulator of Wnt signaling pathway; plus strand). Cytogenetic location: 5q22.2.
Variant type: single nucleotide variant.
Coding change: c.1475A>T on transcript NM_000038.6 (MANE Select); coding-DNA position 1475, A replaced by T.
Protein change: p.His492Leu; replaces histidine 492 with leucine.
Molecular consequence: missense variant.
Genome position (GRCh38, 1-based): chr5:112,827,174, A>T. VCF-style: chr5-112827174-A-T. GRCh37 (hg19) VCF-style: chr5-112162871-A-T.
Other names: c.1097A>T, p.His366Leu (NM_001354904.2); c.995A>T, p.His332Leu (NM_001354905.2); c.626A>T, p.His209Leu (NM_001354906.2, NM_001407470.1); c.1559A>T, p.His520Leu (NM_001407446.1); c.1529A>T, p.His510Leu (NM_001407447.1, NM_001407448.1, NM_001354896.2 and 1 more transcripts); c.1475A>T, p.His492Leu (NM_001127510.3, NM_001354895.2, NM_001407450.1); c.1421A>T, p.His474Leu (NM_001127511.3); c.1505A>T, p.His502Leu (NM_001354897.2); and 11 more; short protein forms H108L, H209L, H332L, H363L, H366L, H391L, H401L, H409L.
Identifiers: ClinVar variation 2502582 (VCV002502582.3), dbSNP rs1580565129, ClinGen allele CA16024537.

ClinVar aggregate classification (germline): Uncertain significance. Review status: criteria provided, multiple submitters, no conflicts (2 of 4 stars). 2 submissions from 2 submitters: Uncertain significance (2). Last evaluated 2025-05-24.

Conditions:
Hereditary cancer-predisposing syndrome. Also called: Hereditary Cancer Syndrome; Hereditary neoplastic syndrome; Neoplastic Syndromes, Hereditary; Tumor predisposition. Identifiers: Orphanet 140162, MedGen C0027672, MeSH D009386, MONDO:0015356.
Classic or attenuated familial adenomatous polyposis. Identifiers: MedGen CN372698, MONDO:0021057.

Submissions (2):

Ambry Genetics
Classification: Uncertain significance for Hereditary cancer-predisposing syndrome. Last evaluated: 2025-05-24. Review status: criteria provided, single submitter. Criteria: Ambry Variant Classification Scheme 2023. Collection method: clinical testing. Allele origin: germline.
Comment: The p.H492L variant (also known as c.1475A>T), located in coding exon 11 of the APC gene, results from an A to T substitution at nucleotide position 1475. The histidine at codon 492 is replaced by leucine, an amino acid with similar properties. This amino acid position is conserved. In addition, in silico predictors for this gene do not accurately predict pathogenicity. Based on the available evidence, the clinical significance of this variant remains unclear.

GeneDx
Classification: Uncertain significance. Last evaluated: 2022-11-22. Review status: criteria provided, single submitter. Criteria: GeneDx Variant Classification Process June 2021. Collection method: clinical testing. Allele origin: germline. Affected: yes.
Comment: Not observed at significant frequency in large population cohorts (gnomAD); In silico analysis supports that this missense variant has a deleterious effect on protein structure/function; Has not been previously published as pathogenic or benign to our knowledge; This variant is associated with the following publications: (PMID: 18199528)